The following is an entry in ClinVar:

ClinVar aggregate classification (germline): Uncertain significance (1 of 4 stars; one submission).

Conditions:
Cardiomyopathy (CMYO). Also called: Cardiomyopathies. Identifiers: Orphanet 167848, MedGen C0878544, MONDO:0004994, HP:0001638. Inheritance: Various modes of inheritance.

gnomAD v4.1: 1 of 1,614,198 alleles (0.000062%); no homozygotes.

Submission:

All of Us Research Program, National Institutes of Health
Classification: Uncertain significance for Cardiomyopathy. Last evaluated: 2023-10-06. Review status: criteria provided, single submitter. Criteria: ACMG Guidelines, 2015. Collection method: clinical testing. Allele origin: germline. Inheritance: Autosomal dominant inheritance. Observed: 1 variant allele, 1 heterozygote.
Comment: This missense variant replaces glycine with aspartic acid at codon 56 of the MYH7 protein. Computational prediction is inconclusive regarding the impact of this variant on protein structure and function (internally defined REVEL score threshold 0.5 < inconclusive < 0.7, PMID: 27666373). To our knowledge, functional studies have not been reported for this variant. This variant has not been reported in individuals affected with MYH7-related disorders in the literature. This variant has not been identified in the general population by the Genome Aggregation Database (gnomAD). The available evidence is insufficient to determine the role of this variant in disease conclusively. Therefore, this variant is classified as a Variant of Uncertain Significance.

This study involves interpretation of variants in research participants for the purpose of population health screening. Participant phenotype was not available at the time of variant classification. Additional details can be found in publication PMID: 35346344, PMCID: PMC8962531

NM_000257.4(MYH7):c.167G>A (p.Gly56Asp)

Gene: MYH7 (myosin heavy chain 7; minus strand). Cytogenetic location: 14q11.2.
Variant type: single nucleotide variant.
Coding change: c.167G>A on transcript NM_000257.4 (MANE Select); coding-DNA position 167, G replaced by A.
Protein change: p.Gly56Asp; replaces glycine 56 with aspartic acid.
Molecular consequence: missense variant.
Genome position (GRCh38, 1-based): chr14:23,433,566, C>T on the plus strand (G>A on the coding strand, the complement: MYH7 is on the minus strand). VCF-style: chr14-23433566-C-T. GRCh37 (hg19) VCF-style: chr14-23902775-C-T.
Other names: c.167G>A, p.Gly56Asp (NM_001407004.1); short protein forms G56D.
Identifiers: ClinVar variation 3073829 (VCV003073829.1), dbSNP rs727504870, ClinGen allele CA389053688.
Genomic context (GRCh38, chr14:23,433,566, plus strand): 5'-GACTCTCACATCAGCCTGACACCCACCTTGCCATACTCGGTCTCGGCAGTGACTTTGCCA[C>T]CCTCTCGAGACACGATCTTGGCCTTGACAAACTCCTGTTTGTCATCAGGCACGAAGACAT-3'
Protein context (NP_000248.2, residues 46-66): FVKAKIVSRE[Gly56Asp]GKVTAETEYG